The following is an entry in ClinVar:

ClinVar aggregate classification (germline): Uncertain significance (1 of 4 stars; one submission).

Allele frequency attached by ClinVar (database versions not stated): gnomAD exomes below 0.00001; gnomAD 0.00001.
gnomAD v4.1: 3 of 1,614,010 alleles (0.00019%); highest among the groups gnomAD compares: East Asian, 0.0022%; no homozygotes.

Submission:

Labcorp Genetics (formerly Invitae), Labcorp
Classification: Uncertain significance. Last evaluated: 2024-01-19. Review status: criteria provided, single submitter. Criteria: Invitae Variant Classification Sherloc (09022015). Collection method: clinical testing. Allele origin: germline.
Comment: This sequence change replaces isoleucine, which is neutral and non-polar, with threonine, which is neutral and polar, at codon 361 of the PLK4 protein (p.Ile361Thr). This variant is present in population databases (no rsID available, gnomAD 0.0009%). This variant has not been reported in the literature in individuals affected with PLK4-related conditions. ClinVar contains an entry for this variant (Variation ID: 2087311). Algorithms developed to predict the effect of missense changes on protein structure and function output the following: SIFT: "Not Available"; PolyPhen-2: "Benign"; Align-GVGD: "Not Available". The threonine amino acid residue is found in multiple mammalian species, which suggests that this missense change does not adversely affect protein function. In summary, the available evidence is currently insufficient to determine the role of this variant in disease. Therefore, it has been classified as a Variant of Uncertain Significance.

NM_014264.5(PLK4):c.1082T>C (p.Ile361Thr)

Gene: PLK4 (polo like kinase 4; plus strand). Cytogenetic location: 4q28.1.
Variant type: single nucleotide variant.
Coding change: c.1082T>C on transcript NM_014264.5 (MANE Select); coding-DNA position 1082, T replaced by C.
Protein change: p.Ile361Thr; replaces isoleucine 361 with threonine.
Molecular consequence: missense variant.
Genome position (GRCh38, 1-based): chr4:127,886,452, T>C. VCF-style: chr4-127886452-T-C. GRCh37 (hg19) VCF-style: chr4-128807607-T-C.
Other names: c.986T>C, p.Ile329Thr (NM_001190799.2); c.959T>C, p.Ile320Thr (NM_001190801.2); short protein forms I329T, I320T, I361T.
Identifiers: ClinVar variation 2087311 (VCV002087311.4), dbSNP rs1457842152, ClinGen allele CA358152304.
Genomic context (GRCh38, chr4:127,886,452, plus strand): 5'-ACAGTTTTTATACTCAGTGGGGAAATCAAGAAACCAGTAATAGTGGAAGGGGAAGAGTAA[T>C]TCAAGATGCAGAAGAAAGGCCACATTCTCGATACCTTCGTAGAGCTTATTCCTCTGATAG-3'
Protein context (NP_055079.3, residues 351-371): ETSNSGRGRV[Ile361Thr]QDAEERPHSR